The following is an entry in ClinVar:

ClinVar aggregate classification (germline): Uncertain significance (1 of 4 stars; one submission).

Allele frequency attached by ClinVar (database versions not stated): gnomAD exomes below 0.00001; gnomAD 0.00001; TOPMed 0.00003.
gnomAD v4.1: 5 of 1,590,374 alleles (0.00031%); highest among the groups gnomAD compares: African/African-American, 0.0013%; no homozygotes.

Submission:

Labcorp Genetics (formerly Invitae), Labcorp
Classification: Uncertain significance. Last evaluated: 2025-08-03. Review status: criteria provided, single submitter. Criteria: Invitae Variant Classification Sherloc (09022015). Collection method: clinical testing. Allele origin: germline.
Comment: This sequence change replaces histidine, which is basic and polar, with arginine, which is basic and polar, at codon 164 of the ITGAM protein (p.His164Arg). This variant is not present in population databases (gnomAD no frequency). This variant has not been reported in the literature in individuals affected with ITGAM-related conditions. ClinVar contains an entry for this variant (Variation ID: 1485227). An algorithm developed to predict the effect of missense changes on protein structure and function outputs the following: PolyPhen-2: "Benign". The arginine amino acid residue is found in multiple mammalian species, which suggests that this missense change does not adversely affect protein function. In summary, the available evidence is currently insufficient to determine the role of this variant in disease. Therefore, it has been classified as a Variant of Uncertain Significance.

NM_000632.4(ITGAM):c.491A>G (p.His164Arg)

Gene: ITGAM (integrin subunit alpha M; plus strand). Cytogenetic location: 16p11.2.
Variant type: single nucleotide variant.
Coding change: c.491A>G on transcript NM_000632.4 (MANE Select); coding-DNA position 491, A replaced by G.
Protein change: p.His164Arg; replaces histidine 164 with arginine.
Molecular consequence: missense variant.
Genome position (GRCh38, 1-based): chr16:31,271,017, A>G. VCF-style: chr16-31271017-A-G. GRCh37 (hg19) VCF-style: chr16-31282338-A-G.
Other names: c.491A>G, p.His164Arg (NM_001145808.2); short protein forms H164R.
Identifiers: ClinVar variation 1485227 (VCV001485227.8), dbSNP rs993595730, ClinGen allele CA280604145.